The following is an entry in ClinVar:

NM_032608.7(MYO18B):c.7157G>T (p.Cys2386Phe)

Gene: MYO18B (myosin XVIIIB; plus strand). Cytogenetic location: 22q12.1.
Variant type: single nucleotide variant.
Coding change: c.7157G>T on transcript NM_032608.7 (MANE Select); coding-DNA position 7157, G replaced by T.
Protein change: p.Cys2386Phe; replaces cysteine 2386 with phenylalanine.
Molecular consequence: missense variant.
Genome position (GRCh38, 1-based): chr22:26,027,131, G>T. VCF-style: chr22-26027131-G-T. GRCh37 (hg19) VCF-style: chr22-26423097-G-T.
Other names: c.7160G>T, p.Cys2387Phe (NM_001318245.2); c.7157G>T (NM_032608.5); short protein forms C2386F, C2387F.
Identifiers: ClinVar variation 1353046 (VCV001353046.6), dbSNP rs754267663, ClinGen allele CA411011843.

ClinVar aggregate classification (germline): Uncertain significance. Review status: criteria provided, multiple submitters, no conflicts (2 of 4 stars). 3 submissions from 3 submitters: Uncertain significance (3). Last evaluated 2025-04-03.

Conditions:
Inborn genetic diseases. Identifiers: MedGen C0950123, MeSH D030342.
Klippel-Feil anomaly-myopathy-facial dysmorphism syndrome. Also called: Klippel-Feil syndrome 4, autosomal recessive, with myopathy and facial dysmorphism; Klippel-feil syndrome 4, autosomal recessive, with nemaline myopathy and facial dysmorphism. Identifiers: Orphanet 447974, MedGen C4225285, MONDO:0014689, OMIM 616549.

Allele frequency attached by ClinVar (database versions not stated): gnomAD 0.00001; gnomAD exomes 0.00001; TOPMed 0.00001.
gnomAD v4.1: 5 of 1,613,930 alleles (0.00031%); highest among the groups gnomAD compares: Admixed American, 0.0033%; no homozygotes.

Submissions (3):

Ambry Genetics
Classification: Uncertain significance for Inborn genetic diseases. Last evaluated: 2025-04-03. Review status: criteria provided, single submitter. Criteria: Ambry Variant Classification Scheme 2023. Collection method: clinical testing. Allele origin: germline.

Labcorp Genetics (formerly Invitae), Labcorp
Classification: Uncertain significance. Last evaluated: 2023-09-05. Review status: criteria provided, single submitter. Criteria: Invitae Variant Classification Sherloc (09022015). Collection method: clinical testing. Allele origin: germline.
Comment: In summary, the available evidence is currently insufficient to determine the role of this variant in disease. Therefore, it has been classified as a Variant of Uncertain Significance. An algorithm developed to predict the effect of missense changes on protein structure and function (PolyPhen-2) suggests that this variant¬†is likely to be tolerated. ClinVar contains an entry for this variant (Variation ID: 1353046). This variant has not been reported in the literature in individuals affected with MYO18B-related conditions. This variant is present in population databases (no rsID available, gnomAD 0.0009%). This sequence change replaces cysteine, which is neutral and slightly polar, with phenylalanine, which is neutral and non-polar, at codon 2386 of the MYO18B protein (p.Cys2386Phe).

New York Genome Center
Classification: Uncertain significance for Klippel-Feil anomaly-myopathy-facial dysmorphism syndrome. Last evaluated: 2021-06-04. Review status: criteria provided, single submitter. Criteria: NYGC Assertion Criteria 2020. Collection method: clinical testing. Allele origin: germline. Observed: 1 homozygote. Study: CSER-NYCKidSeq.